The following is an entry in ClinVar:

NM_001005273.3(CHD3):c.4528G>A (p.Gly1510Arg)

Gene: CHD3 (chromodomain helicase DNA binding protein 3; plus strand). Cytogenetic location: 17p13.1.
Variant type: single nucleotide variant.
Coding change: c.4528G>A on transcript NM_001005273.3 (MANE Select); coding-DNA position 4528, G replaced by A.
Protein change: p.Gly1510Arg; replaces glycine 1510 with arginine.
Molecular consequence: missense variant.
Genome position (GRCh38, 1-based): chr17:7,906,893, G>A. VCF-style: chr17-7906893-G-A. GRCh37 (hg19) VCF-style: chr17-7810211-G-A.
Other names: c.4705G>A, p.Gly1569Arg (NM_001005271.3); c.4528G>A, p.Gly1510Arg (NM_005852.4); c.4705G>A (NM_001005271.2); short protein forms G1510R, G1569R.
Identifiers: ClinVar variation 1710168 (VCV001710168.3), dbSNP rs2545084725, ClinGen allele CA397946547.

ClinVar aggregate classification (germline): Uncertain significance. Review status: criteria provided, single submitter (1 of 4 stars). 2 submissions from 2 submitters: Uncertain significance (1). 1 of the submissions does not count toward it. Last evaluated 2026-02-21.

Conditions:
Snijders Blok-Campeau syndrome. Also called: INTELLECTUAL DEVELOPMENTAL DISORDER WITH MACROCEPHALY, SPEECH DELAY, AND DYSMORPHIC FACIES. Identifiers: Orphanet 599082, MedGen C4748701, MONDO:0032600, OMIM 618205.

Submissions (2):

GeneDx
Classification: Uncertain significance. Last evaluated: 2026-02-21. Review status: criteria provided, single submitter. Criteria: GeneDx Variant Classification Process June 2021. Collection method: clinical testing. Allele origin: germline.
Comment: Not observed at significant frequency in large population cohorts (gnomAD); In silico analysis supports that this missense variant has a deleterious effect on protein structure/function; Has not been previously published as pathogenic or benign to our knowledge

Clinical Genetics Laboratory, University Hospital Schleswig-Holstein
Classification: Uncertain significance for Snijders Blok-Campeau syndrome. Last evaluated: 2021-11-02. Review status: no assertion criteria provided. Collection method: clinical testing. Allele origin: germline. Affected: yes. Not counted in ClinVar's aggregate classification.